The following is an entry in ClinVar:

NM_015599.3(PGM3):c.-2-194C>T

Gene: PGM3 (phosphoglucomutase 3; minus strand). Cytogenetic location: 6q14.1.
Variant type: single nucleotide variant.
Coding change: c.-2-194C>T on transcript NM_015599.3 (MANE Select); 194 bases into the intron before 2 bases upstream of the start codon, C replaced by T.
Molecular consequence: intron variant. On other transcripts: nonsense (2).
Genome position (GRCh38, 1-based): chr6:83,191,208, G>A on the plus strand (C>T on the coding strand, the complement: PGM3 is on the minus strand). VCF-style: chr6-83191208-G-A. GRCh37 (hg19) VCF-style: chr6-83900927-G-A.
Other names: c.61C>T, p.Gln21Ter (NM_001199917.2, NM_001367287.1); c.-40+1971C>T (NM_001199918.2); c.-2-194C>T (NM_001367286.1, NM_001199919.2); c.61C>T (NM_001199917.1); short protein forms Q21*.
Identifiers: ClinVar variation 1074940 (VCV001074940.18), dbSNP rs753019951, ClinGen allele CA3906933.

ClinVar aggregate classification (germline): Conflicting classifications of pathogenicity. Review status: criteria provided, conflicting classifications (1 of 4 stars). 7 submissions from 7 submitters: Pathogenic (1); Likely pathogenic (5); Uncertain significance (1). Last evaluated 2025-05-29.

Conditions:
PGM3-related disorder. Also called: PGM3-related condition.
Immunodeficiency 23 (IMD23). Also called: IMMUNODEFICIENCY WITH HYPER IgE AND COGNITIVE IMPAIRMENT; IMMUNODEFICIENCY-VASCULITIS-MYOCLONUS SYNDROME. Identifiers: Orphanet 443811, MedGen C4014371, MONDO:0014353, OMIM 615816.

Allele frequency attached by ClinVar (database versions not stated): TOPMed 0.00002; gnomAD 0.00003; ExAC 0.00009; gnomAD exomes 0.00006.

Submissions (7):

First Genomix Gene Laboratory, Genetic Diagnostics Department
Classification: Likely pathogenic for Immunodeficiency 23. Last evaluated: 2025-05-29. Review status: criteria provided, single submitter. Criteria: ACMG Guidelines, 2015. Collection method: clinical testing. Allele origin: germline. Inheritance: Autosomal recessive inheritance. Affected: no. Observed: 1 variant allele.

Labcorp Genetics (formerly Invitae), Labcorp
Classification: Pathogenic for Immunodeficiency 23. Last evaluated: 2025-03-10. Review status: criteria provided, single submitter. Criteria: Invitae Variant Classification Sherloc (09022015). Collection method: clinical testing. Allele origin: germline.
Comment: This sequence change creates a premature translational stop signal (p.Gln21*) in the PGM3 gene. It is expected to result in an absent or disrupted protein product. Loss-of-function variants in PGM3 are known to be pathogenic (PMID: 17548465, 24589341, 24931394). This variant is present in population databases (rs753019951, gnomAD 0.01%). This variant has not been reported in the literature in individuals affected with PGM3-related conditions. ClinVar contains an entry for this variant (Variation ID: 1074940). For these reasons, this variant has been classified as Pathogenic.

Revvity Omics, Revvity
Classification: Likely pathogenic for Immunodeficiency 23. Last evaluated: 2025-02-21. Review status: criteria provided, single submitter. Criteria: ACMG Guidelines, 2015. Collection method: clinical testing. Allele origin: germline.

Fulgent Genetics
Classification: Likely pathogenic for Immunodeficiency 23. Last evaluated: 2024-04-02. Review status: criteria provided, single submitter. Criteria: ACMG Guidelines, 2015. Collection method: clinical testing. Allele origin: germline.

PreventionGenetics, part of Exact Sciences
Classification: Uncertain significance for PGM3-related condition. Last evaluated: 2023-08-24. Review status: criteria provided, single submitter. Criteria: ACMG Guidelines, 2015. Collection method: clinical testing. Allele origin: germline.
Comment: The PGM3 c.61C>T variant is predicted to result in premature protein termination (p.Gln21*). To our knowledge, this variant has not been reported in the literature. This variant is reported in 0.012% of alleles in individuals of Ashkenazi Jewish descent in gnomAD and has interpretations of Pathogenic/Likely Pathogenic in ClinVar. Of note, this variant is present in an exon which is spliced out of the primary PGM3 transcript. At this time, the clinical significance of this variant is uncertain due to the absence of conclusive functional and genetic evidence.

AiLife Diagnostics
Classification: Likely pathogenic. Last evaluated: 2022-03-23. Review status: criteria provided, single submitter. Criteria: ACMG Guidelines, 2015. Collection method: clinical testing. Allele origin: germline. Affected: yes. Observed: 1 variant allele.

Genetic Services Laboratory, University of Chicago
Classification: Likely pathogenic. Last evaluated: 2021-11-23. Review status: criteria provided, single submitter. Criteria: ACMG Guidelines, 2015. Collection method: clinical testing. Allele origin: germline. Affected: yes.
Comment: DNA sequence analysis of the PGM gene demonstrated a sequence change, c.61C>T, which results in the creation of a premature stop codon at amino acid position 21, p.Gln21*. This likely pathogenic sequence change is predicted to result in an abnormal transcript, which may be degraded, or may lead to the production of a truncated PGM protein with potentially abnormal function. This sequence change has been described in the gnomAD database with a frequency of 0.012% in the Ashkenazi Jewish subpopulation (dbSNP rs753019951). This likely pathogenic sequence change has not previously been described in an individual with PGM-related disorders, however other downstream truncating variants in the PGM gene have been reported in association with disease. Loss-of-function variants in PGM3 are known to be pathogenic(PMID: 17548465, 24589341, 24931394).

Literature cited by the submitters: PubMed 17548465 (cited by Labcorp Genetics (formerly Invitae), Labcorp); PubMed 24589341 (cited by Labcorp Genetics (formerly Invitae), Labcorp); PubMed 24931394 (cited by Labcorp Genetics (formerly Invitae), Labcorp).